The following is an entry in ClinVar:

NM_001127392.3(MYRF):c.3026T>C (p.Leu1009Pro)

Gene: MYRF (myelin regulatory factor; plus strand). Cytogenetic location: 11q12.2.
Variant type: single nucleotide variant.
Coding change: c.3026T>C on transcript NM_001127392.3 (MANE Select); coding-DNA position 3026, T replaced by C.
Protein change: p.Leu1009Pro; replaces leucine 1009 with proline.
Molecular consequence: missense variant. On other transcripts: intron variant (1).
Genome position (GRCh38, 1-based): chr11:61,783,507, T>C. VCF-style: chr11-61783507-T-C. GRCh37 (hg19) VCF-style: chr11-61550979-T-C.
Other names: c.2912-6T>C (NM_013279.4); short protein forms L1009P.
Identifiers: ClinVar variation 3049224 (VCV003049224.3), dbSNP rs150188938, ClinGen allele CA6038313.
Genomic context (GRCh38, chr11:61,783,507, plus strand): 5'-GCCAGCTTCTCATTTGTGTCCTGCCTTGTCACCTTACTCCTGCCCCAACAGCCTCTCTCC[T>C]TGCAGAGCCAGTGCCCTCCCTGACCTCCATCCAGGTGCTGGAGAATTCGATGTCCATCAC-3'
Protein context (NP_001120864.1, residues 999-1019): TWAQGQSASL[Leu1009Pro]AEPVPSLTSI

ClinVar aggregate classification (germline): Likely benign. Review status: criteria provided, single submitter (1 of 4 stars). 2 submissions from 2 submitters: Likely benign (1). 1 of the submissions does not count toward it. Last evaluated 2024-11-11.

Conditions:
MYRF-related disorder. Also called: MYRF-related disorders; MYRF-related condition.

Allele frequency attached by ClinVar (database versions not stated): gnomAD exomes 0.00011; ExAC 0.00030; gnomAD 0.00105; ESP Exome Variant Server 0.00108; TOPMed 0.00116; 1000 Genomes Project 0.00160; 1000 Genomes Project 30x 0.00172.
gnomAD v4.1: 330 of 1,613,654 alleles (0.02%); highest among the groups gnomAD compares: African/African-American, 0.37%; 2 homozygotes.

Submissions (2):

Blueprint Genetics
Classification: Likely benign. Last evaluated: 2024-11-11. Review status: criteria provided, single submitter. Criteria: ACMG Guidelines, 2015. Collection method: clinical testing. Allele origin: germline.

PreventionGenetics, part of Exact Sciences
Classification: Likely benign for MYRF-related condition. Last evaluated: 2019-11-20. Review status: no assertion criteria provided. Collection method: clinical testing. Allele origin: germline. Not counted in ClinVar's aggregate classification.
Comment: This variant is classified as likely benign based on ACMG/AMP sequence variant interpretation guidelines (Richards et al. 2015 PMID: 25741868, with internal and published modifications).